The following is an entry in ClinVar:

NM_016373.4(WWOX):c.108-13dup

Gene: WWOX (WW domain containing oxidoreductase; plus strand). Cytogenetic location: 16q23.1.
Variant type: Duplication.
Coding change: c.108-13dup on transcript NM_016373.4 (MANE Select); 13 bases into the intron before coding-DNA position 108, one base duplicated (T; older notation c.108-13dupT).
Molecular consequence: intron variant.
Genome position (GRCh38, 1-based): chr16:78,108,410, T duplicated; the last of 6 consecutive T bases (chr16:78,108,405-78,108,410); duplicating any one gives the same sequence. VCF-style (leftmost placement, unchanged base first): chr16-78108404-A-AT. GRCh37 (hg19) VCF-style: chr16-78142301-A-AT.
Other names: c.-167-1368dup (NM_001291997.2); c.108-13dup (NM_130791.5).
Identifiers: ClinVar variation 676824 (VCV000676824.13), dbSNP rs146697931, ClinGen allele CA8183007.
Genomic context (GRCh38, chr16:78,108,404, plus strand): 5'-GAAAAAATTTAATACAATTGATTACTTTTTAGAAGAGTTAATTTTTACTTATTACTGTGG[A>AT]TTTTTTGTTTTTTAACAGTCACACCGAGGAGAAGACTCAGTGGGAACATCCAAAAACTGG-3'

ClinVar aggregate classification (germline): Benign/Likely benign. Review status: criteria provided, multiple submitters, no conflicts (2 of 4 stars). 6 submissions from 4 submitters: Benign (4); Likely benign (1). 1 of the submissions does not count toward it. Last evaluated 2026-02-03.

Conditions:
Autosomal recessive spinocerebellar ataxia 12. Also called: SPINOCEREBELLAR ATAXIA WITH MENTAL RETARDATION AND EPILEPSY. Identifiers: Orphanet 284282, MedGen C3280452, MONDO:0013687, OMIM 614322.
Developmental and epileptic encephalopathy, 1 (DEE1). Also called: X-linked infantile spasms; West's syndrome; Tonic spasms with clustering, arrest of psychomotor development and hypsarrhythmia on EEG; X-Linked Infantile Spasm Syndrome; INFANTILE SPASM SYNDROME, X-LINKED 1; Epileptic encephalopathy, early infantile, 1. Identifiers: MedGen C3463992, MONDO:0010632, OMIM 308350. Disease mechanism: loss of function.
Developmental and epileptic encephalopathy, 28 (DEE28). Also called: Epileptic encephalopathy, early infantile, 28. Identifiers: Orphanet 442835, MedGen C4015519, MONDO:0014533, OMIM 616211.

Submissions (6):

Labcorp Genetics (formerly Invitae), Labcorp
Classification: Benign for Developmental and epileptic encephalopathy, 1; Autosomal recessive spinocerebellar ataxia 12. Last evaluated: 2026-02-03. Review status: criteria provided, single submitter. Criteria: Invitae Variant Classification Sherloc (09022015). Collection method: clinical testing. Allele origin: germline.

Blueprint Genetics
Classification: Likely benign. Last evaluated: 2024-11-27. Review status: criteria provided, single submitter. Criteria: ACMG Guidelines, 2015. Collection method: clinical testing. Allele origin: germline.

Genome-Nilou Lab
Classification: Benign for Developmental and epileptic encephalopathy, 28. Last evaluated: 2021-12-05. Review status: criteria provided, single submitter. Criteria: ACMG Guidelines, 2015. Collection method: clinical testing. Allele origin: germline. Affected: no.

Genome-Nilou Lab
Classification: Benign for Autosomal recessive spinocerebellar ataxia 12. Last evaluated: 2021-12-05. Review status: criteria provided, single submitter. Criteria: ACMG Guidelines, 2015. Collection method: clinical testing. Allele origin: germline. Affected: no.

GeneDx
Classification: Benign. Last evaluated: 2018-06-19. Review status: criteria provided, single submitter. Criteria: GeneDx Variant Classification (06012015). Collection method: clinical testing. Allele origin: germline. Affected: yes.
Comment: This variant is considered likely benign or benign based on one or more of the following criteria: it is a conservative change, it occurs at a poorly conserved position in the protein, it is predicted to be benign by multiple in silico algorithms, and/or has population frequency not consistent with disease.

GeneDx
Classification: Benign. Last evaluated: 2018-06-14. Review status: flagged submission. Criteria: GeneDx Variant Classification (06012015). Collection method: clinical testing. Allele origin: germline. Affected: yes. Not counted in ClinVar's aggregate classification.
Comment: the same text as in the submission from GeneDx above.
ClinVar note: Reason: This record appears to be redundant with a more recent record from the same submitter.
ClinVar note: Notes: SCV000973737 appears to be redundant with SCV000978133.